The following is an entry in ClinVar:

NM_000390.4(CHM):c.1113_1114del (p.Pro372fs)

Gene: CHM (CHM Rab escort protein; minus strand). Cytogenetic location: Xq21.2.
Variant type: Deletion.
Coding change: c.1113_1114del on transcript NM_000390.4 (MANE Select); coding-DNA positions 1113 to 1114, 2 bases deleted (TC; older notation c.1113_1114delTC).
Protein change: p.Pro372fs; shifts the reading frame from proline 372.
Molecular consequence: frameshift variant.
Genome position (GRCh38, 1-based): chrX:85,956,205-85,956,206, GA deleted on the plus strand (TC on the coding strand, the reverse complement: CHM is on the minus strand); deleting any 2 consecutive bases within chrX:85,956,205-85,956,207 gives the same sequence; the c. name uses the placement nearest the transcript's 3' end. VCF-style (leftmost placement, unchanged base first): chrX-85956204-GGA-G. GRCh37 (hg19) VCF-style: chrX-85211209-GGA-G.
Other names: c.669_670del, p.Pro224fs (NM_001320959.1, NM_001362517.1, NM_001362518.2 and 1 more transcripts); short protein forms P224fs, P372fs.
Identifiers: ClinVar variation 1072041 (VCV001072041.7), dbSNP rs2147663011, ClinGen allele CA2499226900.

ClinVar aggregate classification (germline): Pathogenic (1 of 4 stars; one submission).

Submission:

Labcorp Genetics (formerly Invitae), Labcorp
Classification: Pathogenic. Last evaluated: 2020-03-11. Review status: criteria provided, single submitter. Criteria: Invitae Variant Classification Sherloc (09022015). Collection method: clinical testing. Allele origin: germline.
Comment: For these reasons, this variant has been classified as Pathogenic. Loss-of-function variants in CHM are known to be pathogenic (PMID: 9067750, 23811034). This variant has not been reported in the literature in individuals with CHM-related conditions. This variant is not present in population databases (ExAC no frequency). This sequence change creates a premature translational stop signal (p.Pro372Ilefs*45) in the CHM gene. It is expected to result in an absent or disrupted protein product.

Literature cited by the submitters: PubMed 9067750; PubMed 23811034.